The following is an entry in ClinVar:

ClinVar aggregate classification (germline): Uncertain significance. Review status: criteria provided, multiple submitters, no conflicts (2 of 4 stars). 2 submissions from 2 submitters: Uncertain significance (2). Last evaluated 2026-04-16.

Conditions:
Inborn genetic diseases. Identifiers: MedGen C0950123, MeSH D030342.

gnomAD v4.1: 12 of 1,612,916 alleles (0.00074%); highest among the groups gnomAD compares: Middle Eastern, 0.016%; no homozygotes.

Submissions (2):

Ambry Genetics
Classification: Uncertain significance for Inborn genetic diseases. Last evaluated: 2026-04-16. Review status: criteria provided, single submitter. Criteria: Ambry Variant Classification Scheme 2023. Collection method: clinical testing. Allele origin: germline.

GeneDx
Classification: Uncertain significance. Last evaluated: 2024-05-21. Review status: criteria provided, single submitter. Criteria: GeneDx Variant Classification Process June 2021. Collection method: clinical testing. Allele origin: germline. Affected: yes.
Comment: Not observed at significant frequency in large population cohorts (gnomAD); In silico analysis indicates that this missense variant does not alter protein structure/function; Has not been previously published as pathogenic or benign to our knowledge

NM_006005.3(WFS1):c.2056A>G (p.Thr686Ala)

Gene: WFS1 (wolframin ER transmembrane glycoprotein; plus strand). Cytogenetic location: 4p16.1.
Variant type: single nucleotide variant.
Coding change: c.2056A>G on transcript NM_006005.3 (MANE Select); coding-DNA position 2056, A replaced by G.
Protein change: p.Thr686Ala; replaces threonine 686 with alanine.
Molecular consequence: missense variant.
Genome position (GRCh38, 1-based): chr4:6,301,851, A>G. VCF-style: chr4-6301851-A-G. GRCh37 (hg19) VCF-style: chr4-6303578-A-G.
Other names: c.2056A>G, p.Thr686Ala (NM_001145853.1); short protein forms T686A.
Identifiers: ClinVar variation 3381524 (VCV003381524.2).
Genomic context (GRCh38, chr4:6,301,851, plus strand): 5'-TGGCAGCAGTATGGTGCGCTGTGCGGGCCACGCGCCTGGAAGGAGACCAACATGGCGCGC[A>G]CCCAGATCCTCTGCAGCCACCTGGAGGGCCACAGGGTCACGTGGACCGGCCGCTTCAAGT-3'
Protein context (NP_005996.2, residues 676-696): RAWKETNMAR[Thr686Ala]QILCSHLEGH